The following is an entry in ClinVar:

ClinVar aggregate classification (germline): Likely benign. Review status: criteria provided, multiple submitters, no conflicts (2 of 4 stars). 5 submissions from 5 submitters: Likely benign (5). Last evaluated 2026-05-01.

Allele frequency attached by ClinVar (database versions not stated): 1000 Genomes Project 30x 0.00031; 1000 Genomes Project 0.00040; ESP Exome Variant Server 0.00115; TOPMed 0.00140; ExAC 0.00144; gnomAD exomes 0.00159; gnomAD 0.00181 and 0.00185.
gnomAD v4.1: 2,382 of 1,614,152 alleles (0.15%); highest among the groups gnomAD compares: Middle Eastern, 0.33%; 4 homozygotes.

Submissions (5):

CeGaT Center for Human Genetics Tuebingen
Classification: Likely benign. Last evaluated: 2026-05-01. Review status: criteria provided, single submitter. Criteria: CeGaT Center For Human Genetics Tuebingen Variant Classification Criteria Version 2. Collection method: clinical testing. Allele origin: germline. Affected: yes. Observed: 12 variant alleles.
Comment: PYCR2: BP4, BP7

Labcorp Genetics (formerly Invitae), Labcorp
Classification: Likely benign. Last evaluated: 2025-12-22. Review status: criteria provided, single submitter. Criteria: Invitae Variant Classification Sherloc (09022015). Collection method: clinical testing. Allele origin: germline.

Blueprint Genetics
Classification: Likely benign. Last evaluated: 2024-11-21. Review status: criteria provided, single submitter. Criteria: ACMG Guidelines, 2015. Collection method: clinical testing. Allele origin: germline.

Genetic Services Laboratory, University of Chicago
Classification: Likely benign. Last evaluated: 2019-10-07. Review status: criteria provided, single submitter. Criteria: ACMG Guidelines, 2015. Collection method: clinical testing. Allele origin: germline. Affected: no.

Breakthrough Genomics
Classification: Likely benign. Review status: criteria provided, single submitter. Criteria: ACMG Guidelines, 2015. Collection method: not provided. Allele origin: germline. Inheritance: Autosomal recessive inheritance. Affected: yes.

NM_013328.4(PYCR2):c.615C>T (p.Leu205=)

Gene: PYCR2 (pyrroline-5-carboxylate reductase 2; minus strand). Cytogenetic location: 1q42.12.
Variant type: single nucleotide variant.
Coding change: c.615C>T on transcript NM_013328.4 (MANE Select); coding-DNA position 615, C replaced by T.
Protein change: p.Leu205=; no amino-acid change (leucine 205 retained).
Molecular consequence: synonymous variant.
Genome position (GRCh38, 1-based): chr1:225,921,570, G>A on the plus strand (C>T on the coding strand, the complement: PYCR2 is on the minus strand). VCF-style: chr1-225921570-G-A. GRCh37 (hg19) VCF-style: chr1-226109270-G-A.
Other names: c.393C>T, p.Leu131= (NM_001271681.2).
Identifiers: ClinVar variation 788213 (VCV000788213.48), dbSNP rs55803945, ClinGen allele CA1420157.